The following is an entry in ClinVar:

NM_006005.3(WFS1):c.1826T>A (p.Leu609Gln)

Gene: WFS1 (wolframin ER transmembrane glycoprotein; plus strand). Cytogenetic location: 4p16.1.
Variant type: single nucleotide variant.
Coding change: c.1826T>A on transcript NM_006005.3 (MANE Select); coding-DNA position 1826, T replaced by A.
Protein change: p.Leu609Gln; replaces leucine 609 with glutamine.
Molecular consequence: missense variant.
Genome position (GRCh38, 1-based): chr4:6,301,621, T>A. VCF-style: chr4-6301621-T-A. GRCh37 (hg19) VCF-style: chr4-6303348-T-A.
Other names: c.1826T>A, p.Leu609Gln (NM_001145853.1); short protein forms L609Q.
Identifiers: ClinVar variation 2637190 (VCV002637190.1), dbSNP rs2474194975, ClinGen allele CA356176911.

ClinVar aggregate classification (germline): Uncertain significance (1 of 4 stars; one submission).

Conditions:
WFS1-related disorder. Identifiers: MedGen CN379391, MONDO:0700293.

Submission:

PreventionGenetics, part of Exact Sciences
Classification: Uncertain significance for WFS1-related condition. Last evaluated: 2022-10-14. Review status: criteria provided, single submitter. Criteria: ACMG Guidelines, 2015. Collection method: clinical testing. Allele origin: germline.
Comment: The WFS1 c.1826T>A variant is predicted to result in the amino acid substitution p.Leu609Gln. To our knowledge, this variant has not been reported in the literature or in a large population database, indicating this variant is rare. At this time, the clinical significance of this variant is uncertain due to the absence of conclusive functional and genetic evidence.